The following is an entry in ClinVar:

ClinVar aggregate classification (germline): Uncertain significance (1 of 4 stars; one submission).

Conditions:
Bloom syndrome (BLM). Also called: Bloom-Torre-Machacek syndrome. Identifiers: Orphanet 125, MedGen C0005859, MONDO:0008876, OMIM 210900.

Submission:

Labcorp Genetics (formerly Invitae), Labcorp
Classification: Uncertain significance for Bloom syndrome. Last evaluated: 2024-03-19. Review status: criteria provided, single submitter. Criteria: Invitae Variant Classification Sherloc (09022015). Collection method: clinical testing. Allele origin: germline.
Comment: This sequence change replaces lysine, which is basic and polar, with arginine, which is basic and polar, at codon 661 of the BLM protein (p.Lys661Arg). This variant is not present in population databases (gnomAD no frequency). This variant has not been reported in the literature in individuals affected with BLM-related conditions. Advanced modeling of protein sequence and biophysical properties (such as structural, functional, and spatial information, amino acid conservation, physicochemical variation, residue mobility, and thermodynamic stability) performed at Invitae indicates that this missense variant is not expected to disrupt BLM protein function with a negative predictive value of 80%. In summary, the available evidence is currently insufficient to determine the role of this variant in disease. Therefore, it has been classified as a Variant of Uncertain Significance.

NM_000057.4(BLM):c.1982A>G (p.Lys661Arg)

Gene: BLM (BLM RecQ like helicase; plus strand). Cytogenetic location: 15q26.1.
Variant type: single nucleotide variant.
Coding change: c.1982A>G on transcript NM_000057.4 (MANE Select); coding-DNA position 1982, A replaced by G.
Protein change: p.Lys661Arg; replaces lysine 661 with arginine.
Molecular consequence: missense variant.
Genome position (GRCh38, 1-based): chr15:90,763,065, A>G. VCF-style: chr15-90763065-A-G. GRCh37 (hg19) VCF-style: chr15-91306295-A-G.
Other names: c.1982A>G, p.Lys661Arg (NM_001287246.2, NM_001287247.2); c.857A>G, p.Lys286Arg (NM_001287248.2); short protein forms K286R, K661R.
Identifiers: ClinVar variation 3646676 (VCV003646676.2).
Genomic context (GRCh38, chr15:90,763,065, plus strand): 5'-ATGAGCGTTTCCAAAGTCTTAGTTTTCCTCATACAAAGGAAATGATGAAGATTTTTCATA[A>G]AAAATTTGGCCTGCATAATTTTAGAACTAATCAGCTAGAGGCGATCAATGCTGCACTGCT-3'
Protein context (NP_000048.1, residues 651-671): HTKEMMKIFH[Lys661Arg]KFGLHNFRTN